The following is an entry in ClinVar:

ClinVar aggregate classification (germline): Pathogenic (1 of 4 stars; one submission).

Conditions:
FBN2-related disorders.

Submission:

Rady Children's Institute for Genomic Medicine, Rady Children's Hospital San Diego
Classification: Pathogenic for FBN2-related disorders. Last evaluated: 2025-08-01. Review status: criteria provided, single submitter. Criteria: ACMG Guidelines, 2015. Collection method: clinical testing. Allele origin: germline. Affected: yes.
Comment: This variant affects the canonical splice acceptor site of intron 33 and is therefore predicted to interfere with splicing and result in loss of normal protein function through either protein truncation or nonsense-mediated mRNA decay. The FBN2 gene is highly constrained (Z-score= 3.30 and pLI = 1.00), which suggests it is intolerant to variation. Both dominant-negative and loss-of-function are proposed mechanisms of disease (PMID: 20301560). This variant has not been previously reported or functionally characterized in the literature to our knowledge. Different nucleotide changes at the same splice acceptor (c.4346-1G>C and c.4346-2A>T) have been previously reported in individuals with congenital contractural arachnodactyly (PMID: 8900230, 39098944). The c.4346-1G>A variant is absent from the latest version of the gnomAD population database and thus is presumed to be rare. Based on the available evidence, c.4346-1G>A is classified as Pathogenic.

Literature cited by the submitters: PubMed 8900230; PubMed 39098944.

NM_001999.4(FBN2):c.4346-1G>A

Gene: FBN2 (fibrillin 2; minus strand). Cytogenetic location: 5q23.3.
Variant type: single nucleotide variant.
Coding change: c.4346-1G>A on transcript NM_001999.4 (MANE Select); the canonical splice acceptor site of the intron before coding-DNA position 4346, G replaced by A.
Molecular consequence: splice acceptor variant.
Genome position (GRCh38, 1-based): chr5:128,328,822, C>T on the plus strand (G>A on the coding strand, the complement: FBN2 is on the minus strand). VCF-style: chr5-128328822-C-T. GRCh37 (hg19) VCF-style: chr5-127664514-C-T.
Identifiers: ClinVar variation 4814225 (VCV004814225.1).